The following is an entry in ClinVar:

ClinVar aggregate classification (germline): Uncertain significance. Review status: criteria provided, multiple submitters, no conflicts (2 of 4 stars). 3 submissions from 3 submitters: Uncertain significance (3). Last evaluated 2026-09-09.

Conditions:
Inborn genetic diseases. Identifiers: MedGen C0950123, MeSH D030342.

Allele frequency attached by ClinVar (database versions not stated): gnomAD exomes below 0.00001; TOPMed 0.00002; gnomAD 0.00001.
gnomAD v4.1: 3 of 1,610,364 alleles (0.00019%); highest among the groups gnomAD compares: African/African-American, 0.004%; no homozygotes.

Submissions (3):

Ambry Genetics
Classification: Uncertain significance for Inborn genetic diseases. Last evaluated: 2026-09-09. Review status: criteria provided, single submitter. Criteria: Ambry Variant Classification Scheme 2023. Collection method: clinical testing. Allele origin: germline.

Labcorp Genetics (formerly Invitae), Labcorp
Classification: Uncertain significance. Last evaluated: 2025-07-13. Review status: criteria provided, single submitter. Criteria: Invitae Variant Classification Sherloc (09022015). Collection method: clinical testing. Allele origin: germline.
Comment: This sequence change replaces isoleucine, which is neutral and non-polar, with valine, which is neutral and non-polar, at codon 315 of the CTNNB1 protein (p.Ile315Val). This variant is not present in population databases (gnomAD no frequency). This variant has not been reported in the literature in individuals affected with CTNNB1-related conditions. ClinVar contains an entry for this variant (Variation ID: 1316984). Invitae Evidence Modeling of protein sequence and biophysical properties (such as structural, functional, and spatial information, amino acid conservation, physicochemical variation, residue mobility, and thermodynamic stability) indicates that this missense variant is expected to disrupt CTNNB1 protein function with a positive predictive value of 80%. In summary, the available evidence is currently insufficient to determine the role of this variant in disease. Therefore, it has been classified as a Variant of Uncertain Significance.

GeneDx
Classification: Uncertain significance. Last evaluated: 2019-06-10. Review status: criteria provided, single submitter. Criteria: GeneDx Variant Classification Process June 2021. Collection method: clinical testing. Allele origin: germline. Affected: yes.
Comment: Not observed in large population cohorts (Lek et al., 2016); In silico analysis, which includes protein predictors and evolutionary conservation, supports that this variant does not alter protein structure/function; Has not been previously published as pathogenic or benign to our knowledge

NM_001904.4(CTNNB1):c.943A>G (p.Ile315Val)

Gene: CTNNB1 (catenin beta 1; plus strand). Cytogenetic location: 3p22.1.
Variant type: single nucleotide variant.
Coding change: c.943A>G on transcript NM_001904.4 (MANE Select); coding-DNA position 943, A replaced by G.
Protein change: p.Ile315Val; replaces isoleucine 315 with valine.
Molecular consequence: missense variant.
Genome position (GRCh38, 1-based): chr3:41,227,214, A>G. VCF-style: chr3-41227214-A-G. GRCh37 (hg19) VCF-style: chr3-41268705-A-G.
Other names: c.943A>G, p.Ile315Val (NM_001098209.2, NM_001098210.2); c.922A>G, p.Ile308Val (NM_001330729.2); short protein forms I315V, I308V.
Identifiers: ClinVar variation 1316984 (VCV001316984.8), dbSNP rs1214328620, ClinGen allele CA352231271.